The following is an entry in ClinVar:

NM_182476.3(COQ6):c.164-11C>T

Gene: COQ6 (coenzyme Q6, monooxygenase; plus strand). Cytogenetic location: 14q24.3.
Variant type: single nucleotide variant.
Coding change: c.164-11C>T on transcript NM_182476.3 (MANE Select); 11 bases into the intron before coding-DNA position 164, C replaced by T.
Molecular consequence: intron variant.
Genome position (GRCh38, 1-based): chr14:73,953,424, C>T. VCF-style: chr14-73953424-C-T. GRCh37 (hg19) VCF-style: chr14-74420127-C-T.
Other names: c.89-11C>T (NM_182480.3).
Identifiers: ClinVar variation 136983 (VCV000136983.15), dbSNP rs3213692, ClinGen allele CA290438.

ClinVar aggregate classification (germline): Benign. Review status: criteria provided, multiple submitters, no conflicts (2 of 4 stars). 5 submissions from 5 submitters: Benign (5). Last evaluated 2026-02-03.

Allele frequency attached by ClinVar (database versions not stated): ESP Exome Variant Server 0.22013; gnomAD 0.23743 and 0.23973; TOPMed 0.25596; 1000 Genomes Project 0.28934; 1000 Genomes Project 30x 0.28998.
gnomAD v4.1: 329,310 of 1,589,904 alleles (21%); highest among the groups gnomAD compares: East Asian, 38%; 32,550 homozygotes.

Submissions (5):

Labcorp Genetics (formerly Invitae), Labcorp
Classification: Benign. Last evaluated: 2026-02-03. Review status: criteria provided, single submitter. Criteria: Invitae Variant Classification Sherloc (09022015). Collection method: clinical testing. Allele origin: germline.

Blueprint Genetics
Classification: Benign. Last evaluated: 2024-11-27. Review status: criteria provided, single submitter. Criteria: ACMG Guidelines, 2015. Collection method: clinical testing. Allele origin: germline.

Unidad de Genómica Garrahan, Hospital de Pediatría Garrahan
Classification: Benign. Last evaluated: 2024-07-15. Review status: criteria provided, single submitter. Criteria: ACMG Guidelines, 2015. Collection method: clinical testing. Allele origin: germline. Affected: no. Observed: 42 variant alleles.
Comment: This variant is classified as Benign based on local population frequency. This variant was detected in 45% of patients studied in a panel designed for Epileptic and Developmental Encephalopathy and Progressive Myoclonus Epilepsy. Number of patients: 42. Only high quality variants are reported.

GeneDx
Classification: Benign. Last evaluated: 2013-09-19. Review status: criteria provided, single submitter. Criteria: GeneDx Variant Classification (06012015). Collection method: clinical testing. Allele origin: germline. Affected: yes.
Comment: This variant is considered likely benign or benign based on one or more of the following criteria: it is a conservative change, it occurs at a poorly conserved position in the protein, it is predicted to be benign by multiple in silico algorithms, and/or has population frequency not consistent with disease.

Breakthrough Genomics
Classification: Benign. Review status: criteria provided, single submitter. Criteria: ACMG Guidelines, 2015. Collection method: not provided. Allele origin: germline. Inheritance: Autosomal recessive inheritance. Affected: yes.